The following is an entry in ClinVar:

ClinVar aggregate classification (germline): Uncertain significance. Review status: criteria provided, multiple submitters, no conflicts (2 of 4 stars). 4 submissions from 4 submitters: Uncertain significance (4). Last evaluated 2026-04-21.

Conditions:
Desmin-related myofibrillar myopathy (MFM1). Also called: Desminopathy; MYOFIBRILLAR MYOPATHY WITH ARRHYTHMOGENIC RIGHT VENTRICULAR CARDIOMYOPATHY; DESMIN-RELATED MYOPATHY WITH ARRHYTHMOGENIC RIGHT VENTRICULAR CARDIOMYOPATHY; Myofibrillar myopathy 1; Desmin related myopathy (former name); Desmin storage myopathy (former name). Identifiers: Orphanet 363543, Orphanet 98909, MedGen C1832370, MONDO:0011076, OMIM 601419.
Cardiovascular phenotype. Identifiers: MedGen CN230736.

Allele frequency attached by ClinVar (database versions not stated): ExAC 0.00002; gnomAD exomes 0.00002; ESP Exome Variant Server 0.00008.
gnomAD v4.1: 9 of 1,613,614 alleles (0.00056%); highest among the groups gnomAD compares: African/African-American, 0.0013%; no homozygotes.

Submissions (4):

Ambry Genetics
Classification: Uncertain significance for Cardiovascular phenotype. Last evaluated: 2026-04-21. Review status: criteria provided, single submitter. Criteria: Ambry Variant Classification Scheme 2023. Collection method: clinical testing. Allele origin: germline.
Comment: The p.N427S variant (also known as c.1280A>G), located in coding exon 7 of the DES gene, results from an A to G substitution at nucleotide position 1280. The asparagine at codon 427 is replaced by serine, an amino acid with highly similar properties. This variant was reported in individual(s) with features consistent with dilated cardiomyopathy (Mazzarotto F et al. Circulation, 2020 Feb;141:387-398). This amino acid position is well conserved in available vertebrate species. In addition, this alteration is predicted to be tolerated by in silico analysis. Based on the available evidence, the clinical significance of this variant remains unclear.

Revvity Omics, Revvity
Classification: Uncertain significance. Last evaluated: 2024-12-20. Review status: criteria provided, single submitter. Criteria: ACMG Guidelines, 2015. Collection method: clinical testing. Allele origin: germline.

Labcorp Genetics (formerly Invitae), Labcorp
Classification: Uncertain significance for Desmin-related myofibrillar myopathy. Last evaluated: 2024-10-07. Review status: criteria provided, single submitter. Criteria: Invitae Variant Classification Sherloc (09022015). Collection method: clinical testing. Allele origin: germline.
Comment: This sequence change replaces asparagine, which is neutral and polar, with serine, which is neutral and polar, at codon 427 of the DES protein (p.Asn427Ser). This variant is present in population databases (rs142712150, gnomAD 0.003%). This missense change has been observed in individual(s) with dilated cardiomyopathy (PMID: 37652022). ClinVar contains an entry for this variant (Variation ID: 201710). Invitae Evidence Modeling of protein sequence and biophysical properties (such as structural, functional, and spatial information, amino acid conservation, physicochemical variation, residue mobility, and thermodynamic stability) indicates that this missense variant is not expected to disrupt DES protein function with a negative predictive value of 80%. In summary, the available evidence is currently insufficient to determine the role of this variant in disease. Therefore, it has been classified as a Variant of Uncertain Significance.

GeneDx
Classification: Uncertain significance. Last evaluated: 2018-03-20. Review status: criteria provided, single submitter. Criteria: GeneDx Variant Classification (06012015). Collection method: clinical testing. Allele origin: germline. Affected: yes.
Comment: p.Asn427Ser (AAC>AGC): c.1280 A>G in exon 7 of the DES gene (NM_001927.3) The Asn427Ser variant in the DES gene has not been reported as a disease-causing mutation or as a benign polymorphism to our knowledge. Asn427Ser results in a conservative amino acid substitution of a neutral, polar amino acid with another at a position that is conserved in mammals. Mutations in nearby codons (Pro419Ser, Glu439Lys) have been reported in association with myopathy, supporting the functional importance of this region of the protein. The Asn427Ser variant was not observed with any significant frequency in approximately 6,500 individuals of European and African American ancestry in the NHLBI Exome Sequencing Project. Nevertheless, in silico analysis predicts Asn427Ser is benign to the protein structure/function. With the clinical and molecular information available at this time, we cannot definitively determine if Asn427Ser is a disease-causing mutation or a rare benign variant. The variant is found in DCM panel(s).

Literature cited by the submitters: PubMed 31983221 (cited by Ambry Genetics); PubMed 37652022 (cited by Labcorp Genetics (formerly Invitae), Labcorp).

NM_001927.4(DES):c.1280A>G (p.Asn427Ser)

Gene: DES (desmin; plus strand). Cytogenetic location: 2q35.
Variant type: single nucleotide variant.
Coding change: c.1280A>G on transcript NM_001927.4 (MANE Select); coding-DNA position 1280, A replaced by G.
Protein change: p.Asn427Ser; replaces asparagine 427 with serine.
Molecular consequence: missense variant.
Genome position (GRCh38, 1-based): chr2:219,423,812, A>G. VCF-style: chr2-219423812-A-G. GRCh37 (hg19) VCF-style: chr2-220288534-A-G.
Other names: p.N427S:AAC>AGC; c.1280A>G (LRG_380t1); short protein forms N427S.
Identifiers: ClinVar variation 201710 (VCV000201710.9), dbSNP rs142712150, ClinGen allele CA308284.